The following is an entry in ClinVar:

NM_002485.5(NBN):c.1124+12T>C

Gene: NBN (nibrin; minus strand). Cytogenetic location: 8q21.3.
Variant type: single nucleotide variant.
Coding change: c.1124+12T>C on transcript NM_002485.5 (MANE Select); 12 bases into the intron after coding-DNA position 1124, T replaced by C.
Molecular consequence: intron variant.
Genome position (GRCh38, 1-based): chr8:89,958,713, A>G on the plus strand (T>C on the coding strand, the complement: NBN is on the minus strand). VCF-style: chr8-89958713-A-G. GRCh37 (hg19) VCF-style: chr8-90970941-A-G.
Other names: c.878+12T>C (NM_001024688.3).
Identifiers: ClinVar variation 381608 (VCV000381608.8), dbSNP rs1057521099, ClinGen allele CA16605427.

ClinVar aggregate classification (germline): Likely benign. Review status: criteria provided, multiple submitters, no conflicts (2 of 4 stars). 2 submissions from 2 submitters: Likely benign (2). Last evaluated 2024-05-07.

Conditions:
Microcephaly, normal intelligence and immunodeficiency (NBS). Also called: BERLIN BREAKAGE SYNDROME; SEEMANOVA SYNDROME II; Nijmegen breakage syndrome; IMMUNODEFICIENCY, MICROCEPHALY, AND CHROMOSOMAL INSTABILITY; Immunodeficiency, microcephaly with normal intelligence; Microcephaly with normal intelligence immunodeficiency and lymphoreticular malignancies. Identifiers: Orphanet 647, MedGen C0398791, MONDO:0009623, OMIM 251260.

Allele frequency attached by ClinVar (database versions not stated): gnomAD exomes below 0.00001 and 0.00001.
gnomAD v4.1: 8 of 1,612,024 alleles (0.0005%); highest among the groups gnomAD compares: Non-Finnish European, 0.00068%; no homozygotes.

Submissions (2):

Labcorp Genetics (formerly Invitae), Labcorp
Classification: Likely benign for Microcephaly, normal intelligence and immunodeficiency. Last evaluated: 2024-05-07. Review status: criteria provided, single submitter. Criteria: Invitae Variant Classification Sherloc (09022015). Collection method: clinical testing. Allele origin: germline.

GeneDx
Classification: Likely benign. Last evaluated: 2015-11-09. Review status: criteria provided, single submitter. Criteria: GeneDx Variant Classification (06012015). Collection method: clinical testing. Allele origin: germline. Affected: yes.
Comment: This variant is considered likely benign or benign based on one or more of the following criteria: it is a conservative change, it occurs at a poorly conserved position in the protein, it is predicted to be benign by multiple in silico algorithms, and/or has population frequency not consistent with disease.